The following is an entry in ClinVar:

ClinVar aggregate classification (germline): Likely benign (1 of 4 stars; one submission).

Submission:

CeGaT Center for Human Genetics Tuebingen
Classification: Likely benign. Last evaluated: 2025-07-01. Review status: criteria provided, single submitter. Criteria: CeGaT Center For Human Genetics Tuebingen Variant Classification Criteria Version 2. Collection method: clinical testing. Allele origin: germline. Affected: yes. Observed: 1 variant allele.
Comment: TENM4: PM2:Supporting, BP4, BP7

NM_001098816.3(TENM4):c.1674T>C (p.Thr558=)

Gene: TENM4 (teneurin transmembrane protein 4; minus strand). Cytogenetic location: 11q14.1.
Variant type: single nucleotide variant.
Coding change: c.1674T>C on transcript NM_001098816.3 (MANE Select); coding-DNA position 1674, T replaced by C.
Protein change: p.Thr558=; no amino-acid change (threonine 558 retained).
Molecular consequence: synonymous variant.
Genome position (GRCh38, 1-based): chr11:78,854,111, A>G on the plus strand (T>C on the coding strand, the complement: TENM4 is on the minus strand). VCF-style: chr11-78854111-A-G. GRCh37 (hg19) VCF-style: chr11-78565156-A-G.
Identifiers: ClinVar variation 4085548 (VCV004085548.8).